The following is an entry in ClinVar:

ClinVar aggregate classification (germline): Uncertain significance (1 of 4 stars; one submission).

Conditions:
Spastic paraplegia. Identifiers: MedGen C0037772, HP:0001258.

Allele frequency attached by ClinVar (database versions not stated): gnomAD exomes below 0.00001.
gnomAD v4.1: 1 of 1,613,984 alleles (0.000062%); highest among the groups gnomAD compares: Non-Finnish European, 0.000085%; no homozygotes.

Submission:

Labcorp Genetics (formerly Invitae), Labcorp
Classification: Uncertain significance for Spastic paraplegia. Last evaluated: 2023-02-24. Review status: criteria provided, single submitter. Criteria: Invitae Variant Classification Sherloc (09022015). Collection method: clinical testing. Allele origin: germline.
Comment: In summary, the available evidence is currently insufficient to determine the role of this variant in disease. Therefore, it has been classified as a Variant of Uncertain Significance. Advanced modeling of protein sequence and biophysical properties (such as structural, functional, and spatial information, amino acid conservation, physicochemical variation, residue mobility, and thermodynamic stability) performed at Invitae indicates that this missense variant is not expected to disrupt ERLIN2 protein function. This variant has not been reported in the literature in individuals affected with ERLIN2-related conditions. This variant is not present in population databases (gnomAD no frequency). This sequence change replaces isoleucine, which is neutral and non-polar, with valine, which is neutral and non-polar, at codon 84 of the ERLIN2 protein (p.Ile84Val).

NM_007175.8(ERLIN2):c.250A>G (p.Ile84Val)

Gene: ERLIN2 (ER lipid raft associated 2; plus strand). Cytogenetic location: 8p11.23.
Variant type: single nucleotide variant.
Coding change: c.250A>G on transcript NM_007175.8 (MANE Select); coding-DNA position 250, A replaced by G.
Protein change: p.Ile84Val; replaces isoleucine 84 with valine.
Molecular consequence: missense variant.
Genome position (GRCh38, 1-based): chr8:37,744,368, A>G. VCF-style: chr8-37744368-A-G. GRCh37 (hg19) VCF-style: chr8-37601886-A-G.
Other names: c.250A>G, p.Ile84Val (NM_001003790.4, NM_001003791.3, NM_001362878.2 and 1 more transcripts); short protein forms I84V.
Identifiers: ClinVar variation 2975376 (VCV002975376.3), dbSNP rs1802961258, ClinGen allele CA370651791.